The following is an entry in ClinVar:

ClinVar aggregate classification (germline): Likely pathogenic (1 of 4 stars; one submission).

Conditions:
Hereditary pheochromocytoma and paraganglioma. Also called: Hereditary paragangliomas and pheochromocytomas; Hereditary Paraganglioma-Pheochromocytoma Syndromes; Hereditary pheochromocytoma-paraganglioma. Identifiers: Orphanet 29072, MedGen C4274332, MONDO:0017366.

gnomAD v4.1: 1 of 1,529,496 alleles (0.000065%); highest among the groups gnomAD compares: South Asian, 0.0011%; no homozygotes.

Submission:

Labcorp Genetics (formerly Invitae), Labcorp
Classification: Likely pathogenic for Hereditary pheochromocytoma and paraganglioma. Last evaluated: 2024-09-04. Review status: criteria provided, single submitter. Criteria: Invitae Variant Classification Sherloc (09022015). Collection method: clinical testing. Allele origin: germline.
Comment: This sequence change affects an acceptor splice site in intron 2 of the MAX gene. It is expected to disrupt RNA splicing. Variants that disrupt the donor or acceptor splice site typically lead to a loss of protein function (PMID: 16199547), and loss-of-function variants in MAX are known to be pathogenic (PMID: 21685915, 26070438). This variant is not present in population databases (gnomAD no frequency). This variant has not been reported in the literature in individuals affected with MAX-related conditions. Algorithms developed to predict the effect of sequence changes on RNA splicing suggest that this variant may disrupt the consensus splice site. In summary, the currently available evidence indicates that the variant is pathogenic, but additional data are needed to prove that conclusively. Therefore, this variant has been classified as Likely Pathogenic.

Literature cited by the submitters: PubMed 16199547; PubMed 21685915; PubMed 26070438.

NM_002382.5(MAX):c.64-2A>T

Genes: MAX (MYC associated transcriptional regulator X; minus strand), MAX-AS1 (MAX antisense RNA 1; plus strand). Cytogenetic location: 14q23.3.
Variant type: single nucleotide variant.
Coding change: c.64-2A>T on transcript NM_002382.5 (MANE Select); the canonical splice acceptor site of the intron before coding-DNA position 64, A replaced by T.
Molecular consequence: splice acceptor variant. On other transcripts: non-coding transcript variant (1), intron variant (1).
Genome position (GRCh38, 1-based): chr14:65,093,817, T>A on the plus strand (A>T on the coding strand, the complement: MAX is on the minus strand). VCF-style: chr14-65093817-T-A. GRCh37 (hg19) VCF-style: chr14-65560535-T-A.
Other names: c.37-2A>T (NM_001271069.2, NM_001407095.1, NM_001407110.1 and 9 more transcripts); c.64-2A>T (NM_197957.4, NM_001407094.1, NM_001407104.1 and 5 more transcripts); c.-304-2A>T (NM_001407112.1, NM_001407111.1); c.-211-2A>T (NM_001407106.1, NM_001407107.1, NM_001320415.2 and 1 more transcripts); c.63+7729A>T (NM_001407098.1); c.87-2A>T (NM_001407114.1).
Identifiers: ClinVar variation 3664474 (VCV003664474.2).